The following is an entry in ClinVar:

ClinVar aggregate classification (germline): drug response (0 of 4 stars; one submission).

Allele frequency attached by ClinVar (database versions not stated): gnomAD 0.00001; TOPMed 0.00002; ExAC 0.00003; gnomAD exomes 0.00004.

Submission:

Center for Pediatric Genomic Medicine, Children's Mercy Hospital and Clinics
Classification: drug response. Review status: no assertion criteria provided. Collection method: not provided. Allele origin: unknown.
Comment: Local ID are assigned based on location in M33388 CYP2D6
ClinVar note: Converted during submission from drug-response to drug response.

NM_000106.6(CYP2D6):c.963_981del (p.Met321fs)

Gene: CYP2D6 (cytochrome P450 family 2 subfamily D member 6 (gene/pseudogene); minus strand). Cytogenetic location: 22q13.2.
Variant type: Deletion.
Coding change: c.963_981del on transcript NM_000106.6 (MANE Select); coding-DNA positions 963 to 981, 19 bases deleted (GATCCTACATCCGGATGTG).
Protein change: p.Met321fs; shifts the reading frame from methionine 321.
Molecular consequence: frameshift variant.
Genome position (GRCh38, 1-based): chr22:42,127,846-42,127,864, CACATCCGGATGTAGGATC deleted on the plus strand (GATCCTACATCCGGATGTG on the coding strand, the reverse complement: CYP2D6 is on the minus strand). VCF-style (leftmost placement, unchanged base first): chr22-42127845-GCACATCCGGATGTAGGATC-G. GRCh37 (hg19) VCF-style: chr22-42523847-GCACATCCGGATGTAGGATC-G.
Other names: c.963_981del, p.Met321fs (LRG_303t1); c.810_828del, p.Met270fs (NM_001025161.3); short protein forms M321fs, M270fs.
Identifiers: ClinVar variation 183389 (VCV000183389.3), dbSNP rs730882170, ClinGen allele CA235503.